The following is an entry in ClinVar:

NM_000489.6(ATRX):c.77C>A (p.Ser26Ter)

Gene: ATRX (ATRX chromatin remodeler; minus strand). Cytogenetic location: Xq21.1.
Variant type: single nucleotide variant.
Coding change: c.77C>A on transcript NM_000489.6 (MANE Select); coding-DNA position 77, C replaced by A.
Protein change: p.Ser26Ter; replaces serine 26 with a stop codon.
Molecular consequence: nonsense.
Genome position (GRCh38, 1-based): chrX:77,717,187, G>T on the plus strand (C>A on the coding strand, the complement: ATRX is on the minus strand). VCF-style: chrX-77717187-G-T. GRCh37 (hg19) VCF-style: chrX-76972664-G-T.
Other names: c.77C>A, p.Ser26Ter (NM_138270.5); short protein forms S26*.
Identifiers: ClinVar variation 977684 (VCV000977684.1), dbSNP rs2073481839, ClinGen allele CA413724652.

ClinVar aggregate classification (germline): Likely pathogenic (1 of 4 stars; one submission).

Conditions:
Alpha thalassemia-X-linked intellectual disability syndrome (ATRX). Also called: ALPHA-THALASSEMIA/MENTAL RETARDATION SYNDROME, X-LINKED; ATR, NONDELETION TYPE; ATR-X syndrome; Alpha thalassemia mental retardation syndrome, nondeletion type, X-linked; XLMR hypotonic face syndrome; X-linked alpha-thalassemia-mental retardation syndrome. Identifiers: Orphanet 847, MedGen C1845055, MONDO:0010519, OMIM 301040.

Submission:

Women's Health and Genetics/Laboratory Corporation of America, LabCorp
Classification: Likely pathogenic for Alpha thalassemia-X-linked intellectual disability syndrome. Last evaluated: 2020-08-03. Review status: criteria provided, single submitter. Criteria: LabCorp Variant Classification Summary - May 2015. Collection method: clinical testing. Allele origin: germline.
Comment: Variant summary: ATRX c.77C>A (p.Ser26X) results in a premature termination codon, predicted to cause a truncation of the encoded protein or absence of the protein due to nonsense mediated decay, which are commonly known mechanisms for disease. The variant was absent in 182964 control chromosomes (gnomAD). To our knowledge, no occurrence of c.77C>A in individuals affected with ATR-X Syndrome and no experimental evidence demonstrating its impact on protein function have been reported. No clinical diagnostic laboratories have submitted clinical-significance assessments for this variant to ClinVar after 2014. Based on the evidence outlined above, the variant was classified as likely pathogenic.